The following is an entry in ClinVar:

ClinVar aggregate classification (germline): Conflicting classifications of pathogenicity. Review status: criteria provided, conflicting classifications (1 of 4 stars). 7 submissions from 7 submitters: Uncertain significance (5); Likely benign (2). Last evaluated 2026-01-12.

Conditions:
Hereditary cancer-predisposing syndrome. Also called: Hereditary neoplastic syndrome; Tumor predisposition; Neoplastic Syndromes, Hereditary; Hereditary Cancer Syndrome. Identifiers: Orphanet 140162, MedGen C0027672, MeSH D009386, MONDO:0015356.
Hereditary breast ovarian cancer syndrome. Also called: Hereditary breast and ovarian cancer; Hereditary breast and/or ovarian cancer syndrome; Hereditary breast and ovarian cancer syndrome; Hereditary breast and ovarian cancer syndrome (HBOC); Breast and ovarian cancer; BRCA1- and BRCA2-Associated Hereditary Breast and Ovarian Cancer. Identifiers: Orphanet 145, MedGen C0677776, MeSH D061325, MONDO:0003582. Disease mechanism: loss of function.

Allele frequency attached by ClinVar (database versions not stated): TOPMed below 0.00001.

Submissions (7):

Labcorp Genetics (formerly Invitae), Labcorp
Classification: Likely benign for Hereditary breast ovarian cancer syndrome. Last evaluated: 2026-01-12. Review status: criteria provided, single submitter. Criteria: Invitae Variant Classification Sherloc (09022015). Collection method: clinical testing. Allele origin: germline.

Ambry Genetics
Classification: Uncertain significance for Hereditary cancer-predisposing syndrome. Last evaluated: 2025-09-01. Review status: criteria provided, single submitter. Criteria: Ambry Variant Classification Scheme 2023. Collection method: clinical testing. Allele origin: germline.
Comment: The p.R1325K variant (also known as c.3974G>A), located in coding exon 9 of the BRCA1 gene, results from a G to A substitution at nucleotide position 3974. The arginine at codon 1325 is replaced by lysine, an amino acid with highly similar properties. This variant was detected in a cohort of 3984 unselected Chinese breast cancer patients (Yao L et al. J Hum Genet, 2022 Nov;67:639-642). This amino acid position is poorly conserved in available vertebrate species. In addition, this alteration is predicted to be tolerated by in silico analysis. Since supporting evidence is limited at this time, the clinical significance of this alteration remains unclear.

Color Diagnostics, LLC DBA Color Health
Classification: Uncertain significance for Hereditary cancer-predisposing syndrome. Last evaluated: 2025-07-15. Review status: criteria provided, single submitter. Criteria: ACMG Guidelines, 2015. Collection method: clinical testing. Allele origin: germline.
Comment: This missense variant replaces arginine with lysine at codon 1325 of the BRCA1 protein. Computational prediction is inconclusive regarding the impact of this variant on protein structure and function. To our knowledge, functional studies have not been reported for this variant. This variant has been reported in at least three individuals affected with breast cancer or ovarian cancer (PMID: 32803532, 35864222). Multifactorial analysis has reached a combined likelihood ratio (LR) of 2.042 based on reported LR for co-occurrence with a pathogenic variant and personal and family history for 1 carrier (PMID: 31853058). This variant has not been identified in the general population by the Genome Aggregation Database (gnomAD). The available evidence is insufficient to determine the role of this variant in disease conclusively. Therefore, this variant is classified as a Variant of Uncertain Significance.

Center for Genomic Medicine, Rigshospitalet, Copenhagen University Hospital
Classification: Uncertain significance. Last evaluated: 2025-03-04. Review status: criteria provided, single submitter. Criteria: ACMG Guidelines, 2015. Collection method: clinical testing. Allele origin: germline.

Quest Diagnostics Nichols Institute San Juan Capistrano
Classification: Uncertain significance. Last evaluated: 2023-08-22. Review status: criteria provided, single submitter. Criteria: Quest Diagnostics criteria. Collection method: clinical testing. Allele origin: unknown.
Comment: In the published literature, this variant has been reported in individuals with breast cancer (PMID: 32803532 (2020), 35864222 (2022)) and gallbladder cancer (PMID: 36969051 (2023)). This variant has also been reported in unaffected individuals (PMID: 32467295 (2020)). This variant has not been reported in large, multi-ethnic general populations (Genome Aggregation Database). Analysis of this variant using bioinformatics tools for the prediction of the effect of amino acid changes on protein structure and function yielded predictions that this variant is benign. Based on the available information, we are unable to determine the clinical significance of this variant.

University of Washington Department of Laboratory Medicine, University of Washington
Classification: Likely benign for Hereditary cancer-predisposing syndrome. Last evaluated: 2023-03-23. Review status: criteria provided, single submitter. Criteria: Dines et al. (Genet Med. 2020). Collection method: curation. Allele origin: germline.
Comment: Missense variant in a coldspot region where missense variants are very unlikely to be pathogenic (PMID:31911673).

BRCA1 coldspot (exon 11 using historical exon numbering). Reclassification based on statistical prior probability

GeneDx
Classification: Uncertain significance. Last evaluated: 2017-12-01. Review status: criteria provided, single submitter. Criteria: GeneDx Variant Classification (06012015). Collection method: clinical testing. Allele origin: germline. Affected: yes.
Comment: This variant is denoted BRCA1 c.3974G>A at the cDNA level, p.Arg1325Lys (R1325K) at the protein level, and results in the change of an Arginine to a Lysine (AGG>AAG). Using alternate nomenclature, this variant would be defined as BRCA1 4093G>A. This variant has not, to our knowledge, been published in the literature as pathogenic or benign. BRCA1 Arg1325Lys was not observed in approximately 6,500 individuals of European and African American ancestry in the NHLBI Exome Sequencing Project, indicating it is not a common benign variant in these populations. Since Arginine and Lysine share similar properties, this is considered a conservative amino acid substitution. BRCA1 Arg1325Lys occurs at a position that is not conserved and is located in the SCD domain and a region known to interact with multiple proteins (Narod 2004, Paul 2014). Based on currently available information, it is unclear whether BRCA1 Arg1325Lys is pathogenic or benign. We consider it to be a variant of uncertain significance.

Literature cited by the submitters: PubMed 35864222 (cited by 4 submitters); PubMed 31853058 (cited by Color Diagnostics, LLC DBA Color Health and Quest Diagnostics Nichols Institute San Juan Capistrano); PubMed 32803532 (cited by Color Diagnostics, LLC DBA Color Health and Quest Diagnostics Nichols Institute San Juan Capistrano); PubMed 31911673 (cited by Quest Diagnostics Nichols Institute San Juan Capistrano); PubMed 32467295 (cited by Quest Diagnostics Nichols Institute San Juan Capistrano); PubMed 36969051 (cited by Quest Diagnostics Nichols Institute San Juan Capistrano).

NM_007294.4(BRCA1):c.3974G>A (p.Arg1325Lys)

Genes: BRCA1 (BRCA1 DNA repair associated; minus strand), LOC126862571 (BRD4-independent group 4 enhancer GRCh37_chr17:41243136-41244335; plus strand). Cytogenetic location: 17q21.31.
Variant type: single nucleotide variant.
Coding change: c.3974G>A on transcript NM_007294.4 (MANE Select); coding-DNA position 3974, G replaced by A.
Protein change: p.Arg1325Lys; replaces arginine 1325 with lysine.
Molecular consequence: missense variant. On other transcripts: intron variant (135).
Genome position (GRCh38, 1-based): chr17:43,091,557, C>T on the plus strand (G>A on the coding strand, the complement: BRCA1 is on the minus strand). VCF-style: chr17-43091557-C-T. GRCh37 (hg19) VCF-style: chr17-41243574-C-T.
Other names: c.3707G>A, p.Arg1236Lys (NM_001407934.1, NM_001407936.1, NM_001407930.1 and 2 more transcripts); c.3710G>A, p.Arg1237Lys (NM_001407935.1, NM_001407920.1, NM_001407921.1 and 9 more transcripts); c.3848G>A, p.Arg1283Lys (NM_001407941.1, NM_001407940.1, NM_001407649.1 and 11 more transcripts); c.3851G>A, p.Arg1284Lys (NM_001407937.1, NM_001407938.1, NM_001407939.1 and 19 more transcripts); c.3833G>A, p.Arg1278Lys (NM_001407942.1, NM_001407692.1, NM_001407694.1 and 29 more transcripts); c.3830G>A, p.Arg1277Lys (NM_001407943.1, NM_001407740.1, NM_001407741.1 and 20 more transcripts); c.785-525G>A (NM_001407986.1, NM_001407972.1, NM_001408397.1 and 13 more transcripts); c.665-525G>A (NM_001408441.1, NM_001408437.1, NM_001408429.1 and 12 more transcripts); and 41 more; short protein forms R1325K, R1278K, R1029K, R1257K, R1284K, R1299K, R1197K, R1213K.
Identifiers: ClinVar variation 419316 (VCV000419316.25), dbSNP rs921253348, ClinGen allele CA10594020.
Genomic context (GRCh38, chr17:43,091,557, plus strand): 5'-TCATCATCTGAAACCAATTCCTTGTCACTCAGACCAACTCCCTGGCTTTCAGACTGATGC[C>T]TCATTTGTTTGGAAGAACCAATCAAGAAAGGATCCTGGGTGTTTGTATTTGCAGTCAAGT-3'
Protein context (NP_009225.1, residues 1315-1335): PFLIGSSKQM[Arg1325Lys]HQSESQGVGL